The following is an entry in ClinVar:

ClinVar aggregate classification (germline): Uncertain significance (1 of 4 stars; one submission).

Submission:

Labcorp Genetics (formerly Invitae), Labcorp
Classification: Uncertain significance. Last evaluated: 2022-11-07. Review status: criteria provided, single submitter. Criteria: Invitae Variant Classification Sherloc (09022015). Collection method: clinical testing. Allele origin: germline.
Comment: In summary, the available evidence is currently insufficient to determine the role of this variant in disease. Therefore, it has been classified as a Variant of Uncertain Significance. Algorithms developed to predict the effect of missense changes on protein structure and function output the following: SIFT: "Tolerated"; PolyPhen-2: "Not Available"; Align-GVGD: "Class C0". The glutamic acid amino acid residue is found in multiple mammalian species, which suggests that this missense change does not adversely affect protein function. This variant has not been reported in the literature in individuals affected with POLD2-related conditions. This variant is not present in population databases (gnomAD no frequency). This sequence change replaces aspartic acid, which is acidic and polar, with glutamic acid, which is acidic and polar, at codon 496 of the POLD2 protein (p.Asp496Glu).

NM_006230.4(POLD2):c.1383C>G (p.Asp461Glu)

Gene: POLD2 (DNA polymerase delta 2, accessory subunit; minus strand). Cytogenetic location: 7p13.
Variant type: single nucleotide variant.
Coding change: c.1383C>G on transcript NM_006230.4 (MANE Select); coding-DNA position 1383, C replaced by G.
Protein change: p.Asp461Glu; replaces aspartic acid 461 with glutamic acid.
Molecular consequence: missense variant.
Genome position (GRCh38, 1-based): chr7:44,114,812, G>C on the plus strand (C>G on the coding strand, the complement: POLD2 is on the minus strand). VCF-style: chr7-44114812-G-C. GRCh37 (hg19) VCF-style: chr7-44154411-G-C.
Other names: c.1383C>G, p.Asp461Glu (NM_001127218.3, NM_001256879.2); short protein forms D461E.
Identifiers: ClinVar variation 2880423 (VCV002880423.3), dbSNP rs767592154, ClinGen allele CA367378271.